The following is an entry in ClinVar:

ClinVar aggregate classification (germline): Uncertain significance (1 of 4 stars; one submission).

Conditions:
Hereditary cancer-predisposing syndrome. Also called: Hereditary Cancer Syndrome; Tumor predisposition; Hereditary neoplastic syndrome; Neoplastic Syndromes, Hereditary. Identifiers: Orphanet 140162, MedGen C0027672, MeSH D009386, MONDO:0015356.

Submission:

Ambry Genetics
Classification: Uncertain significance for Hereditary cancer-predisposing syndrome. Last evaluated: 2024-05-18. Review status: criteria provided, single submitter. Criteria: Ambry Variant Classification Scheme 2023. Collection method: clinical testing. Allele origin: germline.
Comment: The p.P515H variant (also known as c.1544C>A), located in coding exon 14 of the CHEK2 gene, results from a C to A substitution at nucleotide position 1544. The proline at codon 515 is replaced by histidine, an amino acid with similar properties. This amino acid position is conserved. In addition, this alteration is predicted to be tolerated by in silico analysis. Based on the available evidence, the clinical significance of this variant remains unclear.

NM_007194.4(CHEK2):c.1544C>A (p.Pro515His)

Gene: CHEK2 (checkpoint kinase 2; minus strand). Cytogenetic location: 22q12.1.
Variant type: single nucleotide variant.
Coding change: c.1544C>A on transcript NM_007194.4 (MANE Select); coding-DNA position 1544, C replaced by A.
Protein change: p.Pro515His; replaces proline 515 with histidine.
Molecular consequence: missense variant.
Genome position (GRCh38, 1-based): chr22:28,687,985, G>T on the plus strand (C>A on the coding strand, the complement: CHEK2 is on the minus strand). VCF-style: chr22-28687985-G-T. GRCh37 (hg19) VCF-style: chr22-29083973-G-T.
Other names: c.1673C>A, p.Pro558His (NM_001005735.3); c.881C>A, p.Pro294His (NM_001257387.3); c.1343C>A, p.Pro448His (NM_001349956.3); c.1457C>A, p.Pro486His (NM_145862.3); short protein forms P294H, P486H, P515H, P558H, P448H.
Identifiers: ClinVar variation 3266965 (VCV003266965.1).